The following is an entry in ClinVar:

ClinVar aggregate classification (germline): Uncertain significance. Review status: criteria provided, multiple submitters, no conflicts (2 of 4 stars). 3 submissions from 3 submitters: Uncertain significance (3). Last evaluated 2025-08-02.

Conditions:
Familial amyloid nephropathy with urticaria AND deafness (MWS). Also called: UDA SYNDROME; URTICARIA-DEAFNESS-AMYLOIDOSIS SYNDROME; MUCKLE-WELLS SYNDROME; Urticaria, deafness and amyloidosis; CRYOPYRIN-ASSOCIATED PERIODIC SYNDROME 2. Identifiers: Orphanet 575, MedGen C0268390, MONDO:0008633, OMIM 191900.
Chronic infantile neurological, cutaneous and articular syndrome (CINCA). Also called: CHRONIC NEUROLOGIC CUTANEOUS AND ARTICULAR SYNDROME; CINCA syndrome; Prieur Griscelli syndrome; CRYOPYRIN-ASSOCIATED PERIODIC SYNDROME 3. Identifiers: Orphanet 1451, MedGen C0409818, MONDO:0011776, OMIM 607115.
Hearing loss, autosomal dominant 34, with or without inflammation. Also called: DEAFNESS, AUTOSOMAL DOMINANT 34, WITH OR WITHOUT INFLAMMATION. Identifiers: MedGen C4521680, MONDO:0033261, OMIM 617772.
Familial cold autoinflammatory syndrome 1 (FCAS1). Also called: CRYOPYRIN-ASSOCIATED PERIODIC SYNDROME 1; Familial cold inflammatory syndrome 1. Identifiers: Orphanet 47045, MedGen C4551895, MONDO:0007349, OMIM 120100.
Keratitis fugax hereditaria. Also called: KERATOENDOTHELIITIS FUGAX HEREDITARIA. Identifiers: Orphanet 647815, MedGen C1835697, MONDO:0007849, OMIM 148200.
Inborn genetic diseases. Identifiers: MedGen C0950123, MeSH D030342.
Cryopyrin associated periodic syndrome (CAPS). Identifiers: Orphanet 208650, MedGen C2316212, MONDO:0016168.

gnomAD v4.1: 7 of 1,528,458 alleles (0.00046%); highest among the groups gnomAD compares: South Asian, 0.0033%; no homozygotes.

Submissions (3):

Ambry Genetics
Classification: Uncertain significance for Inborn genetic diseases. Last evaluated: 2025-08-02. Review status: criteria provided, single submitter. Criteria: Ambry Variant Classification Scheme 2023. Collection method: clinical testing. Allele origin: germline.

Labcorp Genetics (formerly Invitae), Labcorp
Classification: Uncertain significance for Cryopyrin associated periodic syndrome. Last evaluated: 2024-12-03. Review status: criteria provided, single submitter. Criteria: Invitae Variant Classification Sherloc (09022015). Collection method: clinical testing. Allele origin: germline.
Comment: This sequence change replaces glycine, which is neutral and non-polar, with aspartic acid, which is acidic and polar, at codon 119 of the NLRP3 protein (p.Gly119Asp). This variant is present in population databases (rs201683439, gnomAD 0.007%). This variant has not been reported in the literature in individuals affected with NLRP3-related conditions. Invitae Evidence Modeling of protein sequence and biophysical properties (such as structural, functional, and spatial information, amino acid conservation, physicochemical variation, residue mobility, and thermodynamic stability) has been performed for this missense variant. However, the output from this modeling did not meet the statistical confidence thresholds required to predict the impact of this variant on NLRP3 protein function. In summary, the available evidence is currently insufficient to determine the role of this variant in disease. Therefore, it has been classified as a Variant of Uncertain Significance.

Fulgent Genetics
Classification: Uncertain significance for Familial cold autoinflammatory syndrome 1; Keratitis fugax hereditaria; Familial amyloid nephropathy with urticaria AND deafness; Chronic infantile neurological, cutaneous and articular syndrome; Hearing loss, autosomal dominant 34, with or without inflammation. Last evaluated: 2024-05-22. Review status: criteria provided, single submitter. Criteria: ACMG Guidelines, 2015. Collection method: clinical testing. Allele origin: germline.

NM_001243133.2(NLRP3):c.350G>A (p.Gly117Asp)

Gene: NLRP3 (NLR family pyrin domain containing 3; plus strand). Cytogenetic location: 1q44.
Variant type: single nucleotide variant.
Coding change: c.350G>A on transcript NM_001243133.2 (MANE Select); coding-DNA position 350, G replaced by A.
Protein change: p.Gly117Asp; replaces glycine 117 with aspartic acid.
Molecular consequence: missense variant.
Genome position (GRCh38, 1-based): chr1:247,423,302, G>A. VCF-style: chr1-247423302-G-A. GRCh37 (hg19) VCF-style: chr1-247586604-G-A.
Other names: c.350G>A, p.Gly117Asp (NM_001079821.3, NM_001127461.3, NM_001127462.3 and 1 more transcripts); c.356G>A, p.Gly119Asp (NM_004895.5); short protein forms G117D, G119D.
Identifiers: ClinVar variation 3583076 (VCV003583076.4).